The following is an entry in ClinVar:

ClinVar aggregate classification (germline): Uncertain significance. Review status: criteria provided, multiple submitters, no conflicts (2 of 4 stars). 2 submissions from 2 submitters: Uncertain significance (2). Last evaluated 2024-04-15.

Allele frequency attached by ClinVar (database versions not stated): gnomAD exomes below 0.00001.
gnomAD v4.1: 1 of 1,614,030 alleles (0.000062%); highest among the groups gnomAD compares: Non-Finnish European, 0.000085%; no homozygotes.

Submissions (2):

Women's Health and Genetics/Laboratory Corporation of America, LabCorp
Classification: Uncertain significance. Last evaluated: 2024-04-15. Review status: criteria provided, single submitter. Criteria: LabCorp Variant Classification Summary - May 2015. Collection method: clinical testing. Allele origin: germline.

GeneDx
Classification: Uncertain significance. Last evaluated: 2021-06-30. Review status: criteria provided, single submitter. Criteria: GeneDx Variant Classification Process June 2021. Collection method: clinical testing. Allele origin: germline. Affected: yes.
Comment: Not observed at significant frequency in large population cohorts (Lek et al., 2016); In silico analysis supports that this missense variant has a deleterious effect on protein structure/function; Has not been previously published as pathogenic or benign to our knowledge; This variant is associated with the following publications: (PMID: 27535533)

NM_001126108.2(SLC12A3):c.1637G>A (p.Ser546Asn)

Gene: SLC12A3 (solute carrier family 12 member 3; plus strand). Cytogenetic location: 16q13.
Variant type: single nucleotide variant.
Coding change: c.1637G>A on transcript NM_001126108.2 (MANE Select); coding-DNA position 1637, G replaced by A.
Protein change: p.Ser546Asn; replaces serine 546 with asparagine.
Molecular consequence: missense variant.
Genome position (GRCh38, 1-based): chr16:56,882,465, G>A. VCF-style: chr16-56882465-G-A. GRCh37 (hg19) VCF-style: chr16-56916377-G-A.
Other names: c.1637G>A, p.Ser546Asn (NM_000339.3); c.1634G>A, p.Ser545Asn (NM_001126107.2); short protein forms S545N, S546N.
Identifiers: ClinVar variation 1331323 (VCV001331323.3), dbSNP rs2144719566, ClinGen allele CA395989211.
Genomic context (GRCh38, chr16:56,882,465, plus strand): 5'-ACACCATAGCCCCCATCATTTCCAACTTCTTCCTCTGCTCCTATGCCCTCATCAACTTCA[G>A]CTGCTTCCACGCCTCCATCACCAACTCGCCTGGTAAGCAAACCCTTCACCCACCTCAGGA-3'
Protein context (NP_001119580.2, residues 536-556): FLCSYALINF[Ser546Asn]CFHASITNSP